The following is an entry in ClinVar:

ClinVar aggregate classification (germline): Likely pathogenic (1 of 4 stars; one submission).

Conditions:
3 beta-Hydroxysteroid dehydrogenase deficiency. Also called: 3-BETA-HSD DEFICIENCY; ADRENAL HYPERPLASIA II; 3b-hydroxysteroid dehydrogenase deficiency; ADRENAL HYPERPLASIA, CONGENITAL, DUE TO 3-BETA-HYDROXYSTEROID DEHYDROGENASE 2 DEFICIENCY; Congenital adrenal hyperplasia due to 3-beta-hydroxysteroid dehydrogenase deficiency. Identifiers: Orphanet 90791, MedGen C0342471, MeSH C538236, MONDO:0008727, OMIM 201810. Disease mechanism: loss of function.

Submission:

Dasa
Classification: Likely pathogenic for congenital adrenal hyperplasia due to 3-beta-hydroxysteroid dehydrogenase deficiency. Last evaluated: 2025-11-07. Review status: criteria provided, single submitter. Criteria: DASA Assertion Criteria. Collection method: clinical testing. Allele origin: germline.
Comment: NM_000198.4(HSD3B2):c.244G>C (p.Ala82Pro) is a missense variant that results in the substitution of alanine with proline. This variant has been reported in individuals with HSD3B2-related disorders (PMID: 22579964). Also, this variant is absent from population databases. Computational evidence supports a deleterious effect. Based on the currently available evidence, this variant is classified as likely pathogenic.

Literature cited by the submitters: PubMed 22579964.

NM_000198.4(HSD3B2):c.244G>C (p.Ala82Pro)

Gene: HSD3B2 (hydroxy-delta-5-steroid dehydrogenase, 3 beta- and steroid delta-isomerase 2; plus strand). Cytogenetic location: 1p12.
Variant type: single nucleotide variant.
Coding change: c.244G>C on transcript NM_000198.4 (MANE Select); coding-DNA position 244, G replaced by C.
Protein change: p.Ala82Pro; replaces alanine 82 with proline.
Molecular consequence: missense variant.
Genome position (GRCh38, 1-based): chr1:119,419,519, G>C. VCF-style: chr1-119419519-G-C. GRCh37 (hg19) VCF-style: chr1-119962142-G-C.
Other names: c.244G>C, p.Ala82Pro (NM_001166120.2); short protein forms A82P.
Identifiers: ClinVar variation 4881970 (VCV004881970.2).